The following is an entry in ClinVar:

NM_006267.5(RANBP2):c.542T>G (p.Leu181Trp)

Gene: RANBP2 (RAN binding protein 2; plus strand). Cytogenetic location: 2q13.
Variant type: single nucleotide variant.
Coding change: c.542T>G on transcript NM_006267.5 (MANE Select); coding-DNA position 542, T replaced by G.
Protein change: p.Leu181Trp; replaces leucine 181 with tryptophan.
Molecular consequence: missense variant.
Genome position (GRCh38, 1-based): chr2:108,735,668, T>G. VCF-style: chr2-108735668-T-G. GRCh37 (hg19) VCF-style: chr2-109352124-T-G.
Other names: short protein forms L181W.
Identifiers: ClinVar variation 936619 (VCV000936619.7), dbSNP rs1231915444, ClinGen allele CA348040444.
Genomic context (GRCh38, chr2:108,735,668, plus strand): 5'-GACCTGATGACGTCCATGTGAACATCCGGCTAGTGGAGGTGTATCGCTCAACTAAAAGAT[T>G]GAAGGATGCTGTGGCCCACTGCCATGAGGCAGAGAGGAACATAGCTTTGCGTTCAAGTTT-3'
Protein context (NP_006258.3, residues 171-191): LVEVYRSTKR[Leu181Trp]KDAVAHCHEA

ClinVar aggregate classification (germline): Uncertain significance (1 of 4 stars; one submission).

Conditions:
Familial acute necrotizing encephalopathy (IIAE3). Also called: ENCEPHALOPATHY, ACUTE, INFECTION-INDUCED, SUSCEPTIBILITY TO, 3; Susceptibility to Acute Necrotizing Encephalopathy 1. Identifiers: Orphanet 88619, MedGen C2675556, MONDO:0011953, OMIM 608033.

Allele frequency attached by ClinVar (database versions not stated): gnomAD exomes below 0.00001 and 0.00002; gnomAD 0.00001; TOPMed 0.00002.
gnomAD v4.1: 5 of 1,597,452 alleles (0.00031%); highest among the groups gnomAD compares: Admixed American, 0.0083%; no homozygotes.

Submission:

Labcorp Genetics (formerly Invitae), Labcorp
Classification: Uncertain significance for Familial acute necrotizing encephalopathy. Last evaluated: 2019-05-29. Review status: criteria provided, single submitter. Criteria: Invitae Variant Classification Sherloc (09022015). Collection method: clinical testing. Allele origin: germline.
Comment: This sequence change replaces leucine with tryptophan at codon 181 of the RANBP2 protein (p.Leu181Trp). The leucine residue is highly conserved and there is a small physicochemical difference between leucine and tryptophan. This variant is not present in population databases (ExAC no frequency). This variant has not been reported in the literature in individuals with RANBP2-related disease. Algorithms developed to predict the effect of missense changes on protein structure and function (SIFT, PolyPhen-2, Align-GVGD) all suggest that this variant is likely to be disruptive, but these predictions have not been confirmed by published functional studies and their clinical significance is uncertain. In summary, the available evidence is currently insufficient to determine the role of this variant in disease. Therefore, it has been classified as a Variant of Uncertain Significance.